The following is an entry in ClinVar:

ClinVar aggregate classification (germline): Uncertain significance (1 of 4 stars; one submission).

Conditions:
Inborn genetic diseases. Identifiers: MedGen C0950123, MeSH D030342.

Submission:

Ambry Genetics
Classification: Uncertain significance for Inborn genetic diseases. Last evaluated: 2025-01-08. Review status: criteria provided, single submitter. Criteria: Ambry Variant Classification Scheme 2023. Collection method: clinical testing. Allele origin: germline.
Comment: The p.C322F variant (also known as c.965G>T), located in coding exon 6 of the G6PC3 gene, results from a G to T substitution at nucleotide position 965. The cysteine at codon 322 is replaced by phenylalanine, an amino acid with highly dissimilar properties. This amino acid position is conserved. In addition, this alteration is predicted to be tolerated by in silico analysis. Based on the available evidence, the clinical significance of this variant remains unclear.

NM_138387.4(G6PC3):c.965G>T (p.Cys322Phe)

Gene: G6PC3 (glucose-6-phosphatase catalytic subunit 3; plus strand). Cytogenetic location: 17q21.31.
Variant type: single nucleotide variant.
Coding change: c.965G>T on transcript NM_138387.4 (MANE Select); coding-DNA position 965, G replaced by T.
Protein change: p.Cys322Phe; replaces cysteine 322 with phenylalanine.
Molecular consequence: missense variant. On other transcripts: 3 prime UTR variant (1).
Genome position (GRCh38, 1-based): chr17:44,075,967, G>T. VCF-style: chr17-44075967-G-T. GRCh37 (hg19) VCF-style: chr17-42153335-G-T.
Other names: c.*258G>T (NM_001319945.2); c.620G>T, p.Cys207Phe (NM_001384165.1, NM_001384166.1, NM_001384167.1 and 1 more transcripts); short protein forms C207F, C322F.
Identifiers: ClinVar variation 3852341 (VCV003852341.1).